The following is an entry in ClinVar:

NM_000069.3(CACNA1S):c.2563G>A (p.Gly855Arg)

Gene: CACNA1S (calcium voltage-gated channel subunit alpha1 S; minus strand). Cytogenetic location: 1q32.1.
Variant type: single nucleotide variant.
Coding change: c.2563G>A on transcript NM_000069.3 (MANE Select); coding-DNA position 2563, G replaced by A.
Protein change: p.Gly855Arg; replaces glycine 855 with arginine.
Molecular consequence: missense variant.
Genome position (GRCh38, 1-based): chr1:201,066,981, C>T on the plus strand (G>A on the coding strand, the complement: CACNA1S is on the minus strand). VCF-style: chr1-201066981-C-T. GRCh37 (hg19) VCF-style: chr1-201036109-C-T.
Other names: c.2563G>A (NM_000069.2); short protein forms G855R.
Identifiers: ClinVar variation 3070229 (VCV003070229.2), dbSNP rs1475667465, ClinGen allele CA344104324.

ClinVar aggregate classification (germline): Uncertain significance. Review status: criteria provided, multiple submitters, no conflicts (2 of 4 stars). 2 submissions from 2 submitters: Uncertain significance (2). Last evaluated 2026-02-23.

Conditions:
Malignant hyperthermia, susceptibility to, 5 (MHS5). Also called: CACNA1S-Related Malignant Hyperthermia Susceptibility. Identifiers: Orphanet 423, MedGen C1866077, MONDO:0011163, OMIM 601887.

Allele frequency attached by ClinVar (database versions not stated): gnomAD exomes below 0.00001; gnomAD 0.00001; TOPMed 0.00001.
gnomAD v4.1: 7 of 1,613,408 alleles (0.00043%); highest among the groups gnomAD compares: East Asian, 0.0045%; no homozygotes.

Submissions (2):

GeneDx
Classification: Uncertain significance. Last evaluated: 2026-02-23. Review status: criteria provided, single submitter. Criteria: GeneDx Variant Classification Process June 2021. Collection method: clinical testing. Allele origin: germline.
Comment: Not observed at significant frequency in large population cohorts (gnomAD); In silico analysis supports that this missense variant has a deleterious effect on protein structure/function; Has not been previously published as pathogenic or benign to our knowledge

All of Us Research Program, National Institutes of Health
Classification: Uncertain significance for Malignant hyperthermia, susceptibility to, 5. Last evaluated: 2023-05-31. Review status: criteria provided, single submitter. Criteria: ACMG Guidelines, 2015. Collection method: clinical testing. Allele origin: germline. Inheritance: Autosomal dominant inheritance. Observed: 2 variant alleles, 2 heterozygotes.
Comment: This missense variant replaces glycine with arginine at codon 855 of the CACNA1S protein. Computational prediction suggests that this variant may have deleterious impact on protein structure and function (internally defined REVEL score threshold >= 0.7, PMID: 27666373). To our knowledge, functional studies have not been reported for this variant. This variant has not been reported in individuals affected with CACNA1S-related disorders in the literature. This variant has not been identified in the general population by the Genome Aggregation Database (gnomAD). The available evidence is insufficient to determine the role of this variant in disease conclusively. Therefore, this variant is classified as a Variant of Uncertain Significance.

This study involves interpretation of variants in research participants for the purpose of population health screening. Participant phenotype was not available at the time of variant classification. Additional details can be found in publication PMID: 35346344, PMCID: PMC8962531